The following is an entry in ClinVar:

ClinVar aggregate classification (germline): Likely benign. Review status: criteria provided, single submitter (1 of 4 stars). 2 submissions from 2 submitters: Likely benign (1). 1 of the submissions does not count toward it. Last evaluated 2025-07-30.

Conditions:
Van der Woude syndrome 2 (VWS2). Identifiers: Orphanet 888, MedGen C1847604, MONDO:0011712, OMIM 606713.
GRHL3-related disorder. Also called: GRHL3-related condition.

Allele frequency attached by ClinVar (database versions not stated): ExAC 0.00006; ESP Exome Variant Server 0.00015; gnomAD 0.00021; TOPMed 0.00023.
gnomAD v4.1: 74 of 1,613,936 alleles (0.0046%); highest among the groups gnomAD compares: African/African-American, 0.081%; no homozygotes.

Submissions (2):

Labcorp Genetics (formerly Invitae), Labcorp
Classification: Likely benign for Van der Woude syndrome 2. Last evaluated: 2025-07-30. Review status: criteria provided, single submitter. Criteria: Invitae Variant Classification Sherloc (09022015). Collection method: clinical testing. Allele origin: germline.

PreventionGenetics, part of Exact Sciences
Classification: Likely benign for GRHL3-related condition. Last evaluated: 2019-11-25. Review status: no assertion criteria provided. Collection method: clinical testing. Allele origin: germline. Not counted in ClinVar's aggregate classification.
Comment: This variant is classified as likely benign based on ACMG/AMP sequence variant interpretation guidelines (Richards et al. 2015 PMID: 25741868, with internal and published modifications).

NM_198173.3(GRHL3):c.1207-8C>T

Gene: GRHL3 (grainyhead like transcription factor 3; plus strand). Cytogenetic location: 1p36.11.
Variant type: single nucleotide variant.
Coding change: c.1207-8C>T on transcript NM_198173.3 (MANE Select); 8 bases into the intron before coding-DNA position 1207, C replaced by T.
Molecular consequence: intron variant.
Genome position (GRCh38, 1-based): chr1:24,342,686, C>T. VCF-style: chr1-24342686-C-T. GRCh37 (hg19) VCF-style: chr1-24669176-C-T.
Other names: c.1207-8C>T (NM_198174.3); c.1069-8C>T (NM_001195010.2); c.1222-8C>T (NM_021180.4).
Identifiers: ClinVar variation 3049006 (VCV003049006.3), dbSNP rs368002933, ClinGen allele CA690129.
Genomic context (GRCh38, chr1:24,342,686, plus strand): 5'-AGCAGCAGCTGTGAAAGTAGCTAGCCCCTCCCAGGCCCTTGGTGACCCTCTCTCCTTCTC[C>T]CCTGCAGGGAGCTGAGAGGAAGATGCGCGATGACGAGCGGAAGCAGTTCCGGAGGAAGGT-3'